The following is an entry in ClinVar:

ClinVar aggregate classification (germline): Uncertain significance (1 of 4 stars; one submission).

Submission:

Labcorp Genetics (formerly Invitae), Labcorp
Classification: Uncertain significance. Last evaluated: 2023-10-22. Review status: criteria provided, single submitter. Criteria: Invitae Variant Classification Sherloc (09022015). Collection method: clinical testing. Allele origin: germline.
Comment: This sequence change replaces tyrosine, which is neutral and polar, with phenylalanine, which is neutral and non-polar, at codon 1712 of the ANK1 protein (p.Tyr1712Phe). This variant is not present in population databases (gnomAD no frequency). This variant has not been reported in the literature in individuals affected with ANK1-related conditions. An algorithm developed to predict the effect of missense changes on protein structure and function (PolyPhen-2) suggests that this variant is likely to be tolerated. In summary, the available evidence is currently insufficient to determine the role of this variant in disease. Therefore, it has been classified as a Variant of Uncertain Significance.

NM_000037.4(ANK1):c.5135A>T (p.Tyr1712Phe)

Gene: ANK1 (ankyrin 1; minus strand). Cytogenetic location: 8p11.21.
Variant type: single nucleotide variant.
Coding change: c.5135A>T on transcript NM_000037.4 (MANE Select); coding-DNA position 5135, A replaced by T.
Protein change: p.Tyr1712Phe; replaces tyrosine 1712 with phenylalanine.
Molecular consequence: missense variant.
Genome position (GRCh38, 1-based): chr8:41,668,526, T>A on the plus strand (A>T on the coding strand, the complement: ANK1 is on the minus strand). VCF-style: chr8-41668526-T-A. GRCh37 (hg19) VCF-style: chr8-41526044-T-A.
Other names: c.5258A>T, p.Tyr1753Phe (NM_001142446.2); c.5135A>T, p.Tyr1712Phe (NM_020475.3, NM_020476.3); c.4649A>T, p.Tyr1550Phe (NM_020477.3); short protein forms Y1712F, Y1550F, Y1753F.
Identifiers: ClinVar variation 2770622 (VCV002770622.3), dbSNP rs2487607502, ClinGen allele CA371052069.